The following is an entry in ClinVar:

NM_032634.4(PIGO):c.511G>T (p.Gly171Ter)

Gene: PIGO (phosphatidylinositol glycan anchor biosynthesis class O; minus strand). Cytogenetic location: 9p13.3.
Variant type: single nucleotide variant.
Coding change: c.511G>T on transcript NM_032634.4 (MANE Select); coding-DNA position 511, G replaced by T.
Protein change: p.Gly171Ter; replaces glycine 171 with a stop codon.
Molecular consequence: nonsense.
Genome position (GRCh38, 1-based): chr9:35,095,055, C>A on the plus strand (G>T on the coding strand, the complement: PIGO is on the minus strand). VCF-style: chr9-35095055-C-A. GRCh37 (hg19) VCF-style: chr9-35095052-C-A.
Other names: c.511G>T, p.Gly171Ter (NM_001201484.2, NM_152850.4); short protein forms G171*.
Identifiers: ClinVar variation 647724 (VCV000647724.8), dbSNP rs1247927038, ClinGen allele CA373324140.
Genomic context (GRCh38, chr9:35,095,055, plus strand): 5'-CTTCAAATTTTGAAGAAATTTGCCAAGGTACTTCTGGCCTTCAAAGTGGCCCACACTGAC[C>A]TGCACTGGTGAGCTGCTTAATGAGATTGTCTTCCACTATGGCGTGGCTGGCGAAGTTACT-3'

ClinVar aggregate classification (germline): Pathogenic/Likely pathogenic. Review status: criteria provided, multiple submitters, no conflicts (2 of 4 stars). 2 submissions from 2 submitters: Pathogenic (1); Likely pathogenic (1). Last evaluated 2025-06-29.

Conditions:
Hyperphosphatasia with impaired intellectual development syndrome 2. Also called: Hyperphosphatasia with intellectual disability syndrome 2; GLYCOSYLPHOSPHATIDYLINOSITOL BIOSYNTHESIS DEFECT 6. Identifiers: Orphanet 247262, MedGen C3553637, MONDO:0013882, OMIM 614749.

Allele frequency attached by ClinVar (database versions not stated): TOPMed below 0.00001; gnomAD exomes below 0.00001; gnomAD 0.00001.
gnomAD v4.1: 2 of 1,593,902 alleles (0.00013%); highest among the groups gnomAD compares: Non-Finnish European, 0.00017%; no homozygotes.

Submissions (2):

Labcorp Genetics (formerly Invitae), Labcorp
Classification: Pathogenic for Hyperphosphatasia with impaired intellectual development syndrome 2. Last evaluated: 2025-06-29. Review status: criteria provided, single submitter. Criteria: Invitae Variant Classification Sherloc (09022015). Collection method: clinical testing. Allele origin: germline.
Comment: This sequence change creates a premature translational stop signal (p.Gly171*) in the PIGO gene. It is expected to result in an absent or disrupted protein product. Loss-of-function variants in PIGO are known to be pathogenic (PMID: 22683086, 24417746). This variant is not present in population databases (gnomAD no frequency). This variant has not been reported in the literature in individuals affected with PIGO-related conditions. ClinVar contains an entry for this variant (Variation ID: 647724). Algorithms developed to predict the effect of sequence changes on RNA splicing suggest that this variant may disrupt the consensus splice site. For these reasons, this variant has been classified as Pathogenic.

GeneDx
Classification: Likely pathogenic. Last evaluated: 2024-02-28. Review status: criteria provided, single submitter. Criteria: GeneDx Variant Classification Process June 2021. Collection method: clinical testing. Allele origin: germline. Affected: yes.
Comment: Reported in the heterozygous state in a patient with epilepsy in published literature, although clinical details were not provided and it is unclear if a second PIGO variant was identified (PMID: 31440721); Nonsense variant predicted to result in protein truncation or nonsense mediated decay in a gene for which loss of function is a known mechanism of disease; Not observed at significant frequency in large population cohorts (gnomAD); This variant is associated with the following publications: (PMID: 31440721)

Literature cited by the submitters: PubMed 22683086 (cited by Labcorp Genetics (formerly Invitae), Labcorp); PubMed 24417746 (cited by Labcorp Genetics (formerly Invitae), Labcorp).